The following is an entry in ClinVar:

NM_005188.4(CBL):c.1132T>C (p.Phe378Leu)

Gene: CBL (Cbl proto-oncogene; plus strand). Cytogenetic location: 11q23.3.
Variant type: single nucleotide variant.
Coding change: c.1132T>C on transcript NM_005188.4 (MANE Select); coding-DNA position 1132, T replaced by C.
Protein change: p.Phe378Leu; replaces phenylalanine 378 with leucine.
Molecular consequence: missense variant.
Genome position (GRCh38, 1-based): chr11:119,278,202, T>C. VCF-style: chr11-119278202-T-C. GRCh37 (hg19) VCF-style: chr11-119148912-T-C.
Other names: short protein forms F378L.
Identifiers: ClinVar variation 2587221 (VCV002587221.2), dbSNP rs2135303634, ClinGen allele CA382912424.
Genomic context (GRCh38, chr11:119,278,202, plus strand): 5'-TCTTTTAATTTTTTTTAATCAAAGGAACAATATGAATTATACTGTGAGATGGGCTCCACA[T>C]TCCAACTATGTAAAATATGTGCTGAAAATGATAAGGATGTAAAGATTGAGCCCTGTGGAC-3'
Protein context (NP_005179.2, residues 368-388): YELYCEMGST[Phe378Leu]QLCKICAEND

ClinVar aggregate classification (germline): Uncertain significance (1 of 4 stars; one submission).

Conditions:
Cardiovascular phenotype. Identifiers: MedGen CN230736.

Submission:

Ambry Genetics
Classification: Uncertain significance for Cardiovascular phenotype. Last evaluated: 2023-07-05. Review status: criteria provided, single submitter. Criteria: Ambry Variant Classification Scheme 2023. Collection method: clinical testing. Allele origin: germline.
Comment: The p.F378L variant (also known as c.1132T>C), located in coding exon 8 of the CBL gene, results from a T to C substitution at nucleotide position 1132. The phenylalanine at codon 378 is replaced by leucine, an amino acid with highly similar properties. This amino acid position is conserved. In addition, this alteration is predicted to be deleterious by in silico analysis. Since supporting evidence is limited at this time, the clinical significance of this alteration remains unclear.